The following is an entry in ClinVar:

NM_001148.6(ANK2):c.1969A>G (p.Ile657Val)

Gene: ANK2 (ankyrin 2; plus strand). Cytogenetic location: 4q26.
Variant type: single nucleotide variant.
Coding change: c.1969A>G on transcript NM_001148.6 (MANE Select); coding-DNA position 1969, A replaced by G.
Protein change: p.Ile657Val; replaces isoleucine 657 with valine.
Molecular consequence: missense variant.
Genome position (GRCh38, 1-based): chr4:113,282,762, A>G. VCF-style: chr4-113282762-A-G. GRCh37 (hg19) VCF-style: chr4-114203918-A-G.
Other names: c.1906A>G, p.Ile636Val (NM_001127493.3, NM_001354239.2, NM_001354243.2 and 10 more transcripts); c.1969A>G, p.Ile657Val (NM_001354225.2, NM_001354228.2, NM_001354232.2 and 6 more transcripts); c.2014A>G, p.Ile672Val (NM_001354230.2, NM_001354231.2, NM_001354237.2 and 5 more transcripts); c.1870A>G, p.Ile624Val (NM_001354245.2, NM_001354268.2); c.1882A>G, p.Ile628Val (NM_001354249.2, NM_001354264.2, NM_001354266.2 and 10 more transcripts); c.1807A>G, p.Ile603Val (NM_001354253.2, NM_001354257.2, NM_001354270.2 and 1 more transcripts); c.1783A>G, p.Ile595Val (NM_001354260.2, NM_001354271.2, NM_001386151.1); c.1927A>G, p.Ile643Val (NM_001354261.2, NM_001386147.1, NM_001386160.1); and 8 more; short protein forms I529V, I595V, I636V, I653V, I666V, I672V, I562V, I587V.
Identifiers: ClinVar variation 2144944 (VCV002144944.7), dbSNP rs982990660, ClinGen allele CA103788730.

ClinVar aggregate classification (germline): Uncertain significance. Review status: criteria provided, multiple submitters, no conflicts (2 of 4 stars). 3 submissions from 3 submitters: Uncertain significance (3). Last evaluated 2025-12-11.

Conditions:
Cardiovascular phenotype. Identifiers: MedGen CN230736.
Long QT syndrome (LQTS). Identifiers: MedGen C0023976, MeSH D008133, MONDO:0002442. Disease mechanism: loss of function. Inheritance: Various modes of inheritance.

Submissions (3):

Ambry Genetics
Classification: Uncertain significance for Cardiovascular phenotype. Last evaluated: 2025-12-11. Review status: criteria provided, single submitter. Criteria: Ambry Variant Classification Scheme 2023. Collection method: clinical testing. Allele origin: germline.

Women's Health and Genetics/Laboratory Corporation of America, LabCorp
Classification: Uncertain significance. Last evaluated: 2025-04-17. Review status: criteria provided, single submitter. Criteria: LabCorp Variant Classification Summary - May 2015. Collection method: clinical testing. Allele origin: germline.

Labcorp Genetics (formerly Invitae), Labcorp
Classification: Uncertain significance for Long QT syndrome. Last evaluated: 2022-03-02. Review status: criteria provided, single submitter. Criteria: Invitae Variant Classification Sherloc (09022015). Collection method: clinical testing. Allele origin: germline.
Comment: In summary, the available evidence is currently insufficient to determine the role of this variant in disease. Therefore, it has been classified as a Variant of Uncertain Significance. Algorithms developed to predict the effect of missense changes on protein structure and function output the following: SIFT: "Tolerated"; PolyPhen-2: "Benign"; Align-GVGD: "Class C0". The valine amino acid residue is found in multiple mammalian species, which suggests that this missense change does not adversely affect protein function. This variant has not been reported in the literature in individuals affected with ANK2-related conditions. This variant is not present in population databases (gnomAD no frequency). This sequence change replaces isoleucine, which is neutral and non-polar, with valine, which is neutral and non-polar, at codon 657 of the ANK2 protein (p.Ile657Val).